The following is an entry in ClinVar:

ClinVar aggregate classification (germline): Conflicting classifications of pathogenicity. Review status: criteria provided, conflicting classifications (1 of 4 stars). 2 submissions from 2 submitters: Likely pathogenic (1); Uncertain significance (1). Last evaluated 2025-11-24.

Conditions:
Tyrosinase-positive oculocutaneous albinism (OCA2). Also called: ALBINISM II; Oculocutaneous albinism type 2; Albinism, oculocutaneous, type II. Identifiers: Orphanet 79432, MedGen C0268495, MONDO:0008746, OMIM 203200.
SKIN/HAIR/EYE PIGMENTATION 1, BLUE/NONBLUE EYES (SHEP1). Also called: BROWN EYE COLOR 2; EYE COLOR 3; EYE COLOR, BLUE/NONBLUE; EYE COLOR, BROWN/BLUE; HAIR COLOR 3; SKIN/HAIR/EYE PIGMENTATION 1, BLOND/BROWN HAIR. Identifiers: MedGen C1856895, OMIM 227220.

gnomAD v4.1: 14 of 1,613,052 alleles (0.00087%); highest among the groups gnomAD compares: Admixed American, 0.0067%; no homozygotes.

Submissions (2):

Myriad Genetics, Inc.
Classification: Uncertain significance for Tyrosinase-positive oculocutaneous albinism. Last evaluated: 2025-11-24. Review status: criteria provided, single submitter. Criteria: Myriad Autosomal Dominant, Autosomal Recessive and X-Linked Classification Criteria (2023). Collection method: clinical testing. Allele origin: unknown.
Comment: NM_000275.2(OCA2):c.2251G>A(V751M) is a missense variant classified as a variant of uncertain significance in the context of oculocutaneous albinism, OCA2-related. V751M has been observed in cases with relevant disease (PMID: 34838614). Relevant functional assessments of this variant are not available in the literature. V751M has not been observed in referenced population frequency databases. In summary, there is insufficient evidence to classify NM_000275.2(OCA2):c.2251G>A(V751M) as pathogenic or benign. Please note: this variant was assessed in the context of healthy population screening.

Fulgent Genetics
Classification: Likely pathogenic for Tyrosinase-positive oculocutaneous albinism; SKIN/HAIR/EYE PIGMENTATION 1, BLUE/NONBLUE EYES. Last evaluated: 2024-06-13. Review status: criteria provided, single submitter. Criteria: ACMG Guidelines, 2015. Collection method: clinical testing. Allele origin: germline.

Literature cited by the submitters: PubMed 34838614 (cited by Myriad Genetics, Inc.).

NM_000275.3(OCA2):c.2251G>A (p.Val751Met)

Gene: OCA2 (OCA2 melanosomal transmembrane protein; minus strand). Cytogenetic location: 15q13.1.
Variant type: single nucleotide variant.
Coding change: c.2251G>A on transcript NM_000275.3 (MANE Select); coding-DNA position 2251, G replaced by A.
Protein change: p.Val751Met; replaces valine 751 with methionine.
Molecular consequence: missense variant.
Genome position (GRCh38, 1-based): chr15:27,851,469, C>T on the plus strand (G>A on the coding strand, the complement: OCA2 is on the minus strand). VCF-style: chr15-27851469-C-T. GRCh37 (hg19) VCF-style: chr15-28096615-C-T.
Other names: c.2179G>A, p.Val727Met (NM_001300984.2); short protein forms V751M, V727M.
Identifiers: ClinVar variation 3576929 (VCV003576929.2).